The following is an entry in ClinVar:

ClinVar aggregate classification (germline): Pathogenic. Review status: reviewed by expert panel (3 of 4 stars). 5 submissions from 5 submitters: Pathogenic (1). 4 of the submissions do not count toward it. Last evaluated 2017-12-15.

Conditions:
Hereditary cancer-predisposing syndrome. Also called: Neoplastic Syndromes, Hereditary; Hereditary neoplastic syndrome; Tumor predisposition; Hereditary Cancer Syndrome. Identifiers: Orphanet 140162, MedGen C0027672, MeSH D009386, MONDO:0015356.
Hereditary breast ovarian cancer syndrome. Also called: Hereditary breast and/or ovarian cancer syndrome; Hereditary breast and ovarian cancer; Hereditary breast and ovarian cancer syndrome (HBOC); Breast and ovarian cancer; BRCA1- and BRCA2-Associated Hereditary Breast and Ovarian Cancer; Hereditary breast and ovarian cancer syndrome. Identifiers: Orphanet 145, MedGen C0677776, MeSH D061325, MONDO:0003582. Disease mechanism: loss of function.
Breast-ovarian cancer, familial, susceptibility to, 2 (BROVCA2). Also called: BRCA2 Hereditary Breast and Ovarian Cancer. Identifiers: Orphanet 145, MedGen C2675520, MONDO:0012933, OMIM 612555. Disease mechanism: loss of function.
Familial cancer of breast. Also called: Hereditary breast cancer; hereditary breast carcinoma; BREAST CANCER, FAMILIAL. Identifiers: Orphanet 227535, MedGen C0346153, MONDO:0016419, OMIM 114480. Disease mechanism: loss of function.

Submissions (5):

Evidence-based Network for the Interpretation of Germline Mutant Alleles (ENIGMA)
Classification: Pathogenic for Breast-ovarian cancer, familial, susceptibility to, 2. Last evaluated: 2017-12-15. Review status: reviewed by expert panel. Criteria: ENIGMA BRCA1/2 Classification Criteria (2017-06-29). Collection method: curation. Allele origin: germline. Study: ENIGMA.
Comment: Variant allele predicted to encode a truncated non-functional protein.

Ambry Genetics
Classification: Pathogenic for Hereditary cancer-predisposing syndrome. Last evaluated: 2026-05-05. Review status: criteria provided, single submitter. Criteria: Ambry Variant Classification Scheme 2023. Collection method: clinical testing. Allele origin: germline. Not counted in ClinVar's aggregate classification.
Comment: The c.3014_3015dupTT pathogenic mutation, located in coding exon 10 of the BRCA2 gene, results from a duplication of TT at nucleotide position 3014, causing a translational frameshift with a predicted alternate stop codon (p.G1006Lfs*38). This variant is considered to be rare based on population cohorts in the Genome Aggregation Database (gnomAD). This alteration is expected to result in loss of function by premature protein truncation or nonsense-mediated mRNA decay. As such, this alteration is interpreted as a disease-causing mutation.

Labcorp Genetics (formerly Invitae), Labcorp
Classification: Pathogenic for Hereditary breast ovarian cancer syndrome. Last evaluated: 2023-09-10. Review status: criteria provided, single submitter. Criteria: Invitae Variant Classification Sherloc (09022015). Collection method: clinical testing. Allele origin: germline. Not counted in ClinVar's aggregate classification.
Comment: ClinVar contains an entry for this variant (Variation ID: 51386). This variant is also known as 3243insTT; 1043X. This premature translational stop signal has been observed in individual(s) with breast and/or ovarian cancer (PMID: 11802209). This variant is not present in population databases (gnomAD no frequency). This sequence change creates a premature translational stop signal (p.Gly1006Leufs*38) in the BRCA2 gene. It is expected to result in an absent or disrupted protein product. Loss-of-function variants in BRCA2 are known to be pathogenic (PMID: 20104584). For these reasons, this variant has been classified as Pathogenic.

Baylor Genetics
Classification: Pathogenic for Familial cancer of breast. Last evaluated: 2023-05-28. Review status: criteria provided, single submitter. Criteria: ACMG Guidelines, 2015. Collection method: clinical testing. Allele origin: unknown. Not counted in ClinVar's aggregate classification.

ClinVar Staff, National Center for Biotechnology Information (NCBI)
No classification provided. Condition: Familial cancer of breast. Review status: no classification provided. Collection method: literature only. Allele origin: germline. Affected: yes. Not counted in ClinVar's aggregate classification.

Literature cited by the submitters: PubMed 11802209 (cited by Labcorp Genetics (formerly Invitae), Labcorp and ClinVar Staff, National Center for Biotechnology Information (NCBI)); PubMed 20104584 (cited by Labcorp Genetics (formerly Invitae), Labcorp).

NM_000059.4(BRCA2):c.3014_3015dup (p.Gly1006fs)

Gene: BRCA2 (BRCA2 DNA repair associated; plus strand). Cytogenetic location: 13q13.1.
Variant type: Duplication.
Coding change: c.3014_3015dup on transcript NM_000059.4 (MANE Select); coding-DNA positions 3014 to 3015, 2 bases duplicated (TT; older notation c.3014_3015dupTT).
Protein change: p.Gly1006fs; shifts the reading frame from glycine 1006.
Molecular consequence: frameshift variant.
Genome position (GRCh38, 1-based): chr13:32,337,369-32,337,370, TT duplicated; duplicating any 2 consecutive bases within chr13:32,337,367-32,337,370 gives the same sequence; the c. name uses the placement nearest the transcript's 3' end. VCF-style (leftmost placement, unchanged base first): chr13-32337366-G-GTT. GRCh37 (hg19) VCF-style: chr13-32911503-G-GTT.
Other names: c.3014_3015dupTT (NM_000059.3); short protein forms G1006fs.
Identifiers: ClinVar variation 51386 (VCV000051386.12), dbSNP rs397507650, ClinGen allele CA017053.